The following is an entry in ClinVar:

ClinVar aggregate classification (germline): Uncertain significance (1 of 4 stars; one submission).

Allele frequency attached by ClinVar (database versions not stated): gnomAD exomes below 0.00001.
gnomAD v4.1: 1 of 1,607,470 alleles (0.000062%); highest among the groups gnomAD compares: Non-Finnish European, 0.000085%; no homozygotes.

Submission:

GeneDx
Classification: Uncertain significance. Last evaluated: 2023-04-06. Review status: criteria provided, single submitter. Criteria: GeneDx Variant Classification Process June 2021. Collection method: clinical testing. Allele origin: germline. Affected: yes.
Comment: Not observed at significant frequency in large population cohorts (gnomAD); In silico analysis supports that this missense variant has a deleterious effect on protein structure/function; Has not been previously published as pathogenic or benign to our knowledge

NM_015874.6(RBPJ):c.316G>A (p.Gly106Arg)

Gene: RBPJ (recombination signal binding protein for immunoglobulin kappa J region; plus strand). Cytogenetic location: 4p15.2.
Variant type: single nucleotide variant.
Coding change: c.316G>A on transcript NM_015874.6 (MANE Select); coding-DNA position 316, G replaced by A.
Protein change: p.Gly106Arg; replaces glycine 106 with arginine.
Molecular consequence: missense variant.
Genome position (GRCh38, 1-based): chr4:26,415,635, G>A. VCF-style: chr4-26415635-G-A. GRCh37 (hg19) VCF-style: chr4-26417257-G-A.
Other names: c.250G>A, p.Gly84Arg (NM_001363577.2, NM_203283.5); c.355G>A, p.Gly119Arg (NM_001374400.1, NM_001379408.1, NM_005349.4); c.313G>A, p.Gly105Arg (NM_001374401.1, NM_001374402.1, NM_001374403.1 and 3 more transcripts); c.310G>A, p.Gly104Arg (NM_001379409.1); short protein forms G104R, G105R, G106R, G119R, G84R.
Identifiers: ClinVar variation 2662772 (VCV002662772.1), dbSNP rs2475272678, ClinGen allele CA356670054.